The following is an entry in ClinVar:

ClinVar aggregate classification (germline): Uncertain significance (1 of 4 stars; one submission).

Conditions:
Hyperlipoproteinemia, type 1D. Also called: Hyperlipoproteinemia, type ID. Identifiers: Orphanet 444490, Orphanet 535458, MedGen C4014767, MONDO:0014412, OMIM 615947.

Submission:

3billion
Classification: Uncertain significance for Hyperlipoproteinemia, type 1D. Last evaluated: 2022-09-01. Review status: criteria provided, single submitter. Criteria: ACMG Guidelines, 2015. Collection method: clinical testing. Allele origin: germline. Affected: yes. Observed: 1 homozygote.
Comment: The variant is not observed in the gnomAD v2.1.1 dataset. Missense changes are a common disease-causing mechanism. In silico tool predictions suggest damaging effect of the variant on gene or gene product (REVEL: 0.79; 3Cnet: 0.32). Therefore, this variant is classified as uncertain significance according to the recommendation of ACMG/AMP guideline.

NM_178172.6(GPIHBP1):c.406T>G (p.Cys136Gly)

Gene: GPIHBP1 (glycosylphosphatidylinositol anchored high density lipoprotein binding protein 1; plus strand). Cytogenetic location: 8q24.3.
Variant type: single nucleotide variant.
Coding change: c.406T>G on transcript NM_178172.6 (MANE Select); coding-DNA position 406, T replaced by G.
Protein change: p.Cys136Gly; replaces cysteine 136 with glycine.
Molecular consequence: missense variant. On other transcripts: intron variant (1).
Genome position (GRCh38, 1-based): chr8:143,215,369, T>G. VCF-style: chr8-143215369-T-G. GRCh37 (hg19) VCF-style: chr8-144297244-T-G.
Other names: c.375+31T>G (NM_001301772.2); short protein forms C136G.
Identifiers: ClinVar variation 1705537 (VCV001705537.1), dbSNP rs2488909372, ClinGen allele CA372402424.